The following is an entry in ClinVar:

ClinVar aggregate classification (germline): Uncertain significance. Review status: criteria provided, multiple submitters, no conflicts (2 of 4 stars). 2 submissions from 2 submitters: Uncertain significance (2). Last evaluated 2025-11-04.

Conditions:
Inborn genetic diseases. Identifiers: MedGen C0950123, MeSH D030342.
Charcot-Marie-Tooth disease type 2E (CMT2E). Also called: CHARCOT-MARIE-TOOTH NEUROPATHY, TYPE 2E; CHARCOT-MARIE-TOOTH DISEASE, AXONAL, TYPE 2E. Identifiers: Orphanet 99939, MedGen C1843225, MONDO:0011894, OMIM 607684.

Allele frequency attached by ClinVar (database versions not stated): TOPMed 0.00001; ExAC 0.00002.

Submissions (2):

Labcorp Genetics (formerly Invitae), Labcorp
Classification: Uncertain significance for Charcot-Marie-Tooth disease type 2E. Last evaluated: 2025-11-04. Review status: criteria provided, single submitter. Criteria: Invitae Variant Classification Sherloc (09022015). Collection method: clinical testing. Allele origin: germline.
Comment: This sequence change replaces lysine, which is basic and polar, with arginine, which is basic and polar, at codon 15 of the NEFL protein (p.Lys15Arg). This variant is present in population databases (rs776351925, gnomAD 0.01%). This variant has not been reported in the literature in individuals affected with NEFL-related conditions. ClinVar contains an entry for this variant (Variation ID: 839156). Invitae Evidence Modeling of protein sequence and biophysical properties (such as structural, functional, and spatial information, amino acid conservation, physicochemical variation, residue mobility, and thermodynamic stability) has been performed for this missense variant. However, the output from this modeling did not meet the statistical confidence thresholds required to predict the impact of this variant on NEFL protein function. In summary, the available evidence is currently insufficient to determine the role of this variant in disease. Therefore, it has been classified as a Variant of Uncertain Significance.

Ambry Genetics
Classification: Uncertain significance for Inborn genetic diseases. Last evaluated: 2022-11-08. Review status: criteria provided, single submitter. Criteria: Ambry Variant Classification Scheme 2023. Collection method: clinical testing. Allele origin: germline.

NM_006158.5(NEFL):c.44A>G (p.Lys15Arg)

Gene: NEFL (neurofilament light chain; minus strand). Cytogenetic location: 8p21.2.
Variant type: single nucleotide variant.
Coding change: c.44A>G on transcript NM_006158.5 (MANE Select); coding-DNA position 44, A replaced by G.
Protein change: p.Lys15Arg; replaces lysine 15 with arginine.
Molecular consequence: missense variant.
Genome position (GRCh38, 1-based): chr8:24,956,472, T>C on the plus strand (A>G on the coding strand, the complement: NEFL is on the minus strand). VCF-style: chr8-24956472-T-C. GRCh37 (hg19) VCF-style: chr8-24813986-T-C.
Other names: c.44A>G (NM_006158.3); short protein forms K15R.
Identifiers: ClinVar variation 839156 (VCV000839156.6), dbSNP rs776351925, ClinGen allele CA4681561.